The following is an entry in ClinVar:

ClinVar aggregate classification (germline): Uncertain significance (1 of 4 stars; one submission).

Conditions:
Hereditary spastic paraplegia 6 (SPG6). Also called: SPASTIC PARAPLEGIA 6, AUTOSOMAL DOMINANT. Identifiers: Orphanet 100988, MedGen C1838192, MONDO:0010878, OMIM 600363.

Submission:

Labcorp Genetics (formerly Invitae), Labcorp
Classification: Uncertain significance for Hereditary spastic paraplegia 6. Last evaluated: 2026-01-11. Review status: criteria provided, single submitter. Criteria: Invitae Variant Classification Sherloc (09022015). Collection method: clinical testing. Allele origin: germline.
Comment: This sequence change replaces asparagine, which is neutral and polar, with aspartic acid, which is acidic and polar, at codon 285 of the NIPA1 protein (p.Asn285Asp). This variant is not present in population databases (gnomAD no frequency). This variant has not been reported in the literature in individuals affected with NIPA1-related conditions. ClinVar contains an entry for this variant (Variation ID: 3612025). Invitae Evidence Modeling of protein sequence and biophysical properties (such as structural, functional, and spatial information, amino acid conservation, physicochemical variation, residue mobility, and thermodynamic stability) indicates that this missense variant is not expected to disrupt NIPA1 protein function with a negative predictive value of 80%. In summary, the available evidence is currently insufficient to determine the role of this variant in disease. Therefore, it has been classified as a Variant of Uncertain Significance.

NM_144599.5(NIPA1):c.853A>G (p.Asn285Asp)

Gene: NIPA1 (NIPA magnesium transporter 1; plus strand). Cytogenetic location: 15q11.2.
Variant type: single nucleotide variant.
Coding change: c.853A>G on transcript NM_144599.5 (MANE Select); coding-DNA position 853, A replaced by G.
Protein change: p.Asn285Asp; replaces asparagine 285 with aspartic acid.
Molecular consequence: missense variant.
Genome position (GRCh38, 1-based): chr15:22,824,102, A>G. VCF-style: chr15-22824102-A-G. GRCh37 (hg19) VCF-style: chr15-23048966-T-C.
Other names: c.628A>G, p.Asn210Asp (NM_001142275.1); short protein forms N210D, N285D.
Identifiers: ClinVar variation 3612025 (VCV003612025.2).